The following is an entry in ClinVar:

ClinVar aggregate classification (germline): Uncertain significance (1 of 4 stars; one submission).

Submission:

Labcorp Genetics (formerly Invitae), Labcorp
Classification: Uncertain significance. Last evaluated: 2022-07-16. Review status: criteria provided, single submitter. Criteria: Invitae Variant Classification Sherloc (09022015). Collection method: clinical testing. Allele origin: germline.
Comment: Algorithms developed to predict the effect of missense changes on protein structure and function are either unavailable or do not agree on the potential impact of this missense change (SIFT: "Deleterious"; PolyPhen-2: "Probably Damaging"; Align-GVGD: "Class C0"). This missense change has been observed in individual(s) with Weill-Marchesani syndrome (Invitae). This variant is not present in population databases (gnomAD no frequency). This sequence change replaces cysteine, which is neutral and slightly polar, with glycine, which is neutral and non-polar, at codon 956 of the ADAMTS10 protein (p.Cys956Gly). Algorithms developed to predict the effect of sequence changes on RNA splicing suggest that this variant may create or strengthen a splice site. In summary, the available evidence is currently insufficient to determine the role of this variant in disease. Therefore, it has been classified as a Variant of Uncertain Significance.

NM_030957.4(ADAMTS10):c.2866T>G (p.Cys956Gly)

Gene: ADAMTS10 (ADAM metallopeptidase with thrombospondin type 1 motif 10; minus strand). Cytogenetic location: 19p13.2.
Variant type: single nucleotide variant.
Coding change: c.2866T>G on transcript NM_030957.4 (MANE Select); coding-DNA position 2866, T replaced by G.
Protein change: p.Cys956Gly; replaces cysteine 956 with glycine.
Molecular consequence: missense variant.
Genome position (GRCh38, 1-based): chr19:8,585,308, A>C on the plus strand (T>G on the coding strand, the complement: ADAMTS10 is on the minus strand). VCF-style: chr19-8585308-A-C. GRCh37 (hg19) VCF-style: chr19-8650192-A-C.
Other names: c.1327T>G, p.Cys443Gly (NM_001282352.2); short protein forms C443G, C956G.
Identifiers: ClinVar variation 1715982 (VCV001715982.5), dbSNP rs2512574063, ClinGen allele CA403748799.